The following is an entry in ClinVar:

ClinVar aggregate classification (germline): Uncertain significance. Review status: criteria provided, multiple submitters, no conflicts (2 of 4 stars). 3 submissions from 3 submitters: Uncertain significance (3). Last evaluated 2022-12-09.

Conditions:
Cardiovascular phenotype. Identifiers: MedGen CN230736.
Long QT syndrome (LQTS). Identifiers: MedGen C0023976, MeSH D008133, MONDO:0002442. Disease mechanism: loss of function. Inheritance: Various modes of inheritance.

Allele frequency attached by ClinVar (database versions not stated): TOPMed below 0.00001; gnomAD exomes 0.00001.
gnomAD v4.1: 6 of 1,613,642 alleles (0.00037%); highest among the groups gnomAD compares: Non-Finnish European, 0.00051%; no homozygotes.

Submissions (3):

Ambry Genetics
Classification: Uncertain significance for Cardiovascular phenotype. Last evaluated: 2022-12-09. Review status: criteria provided, single submitter. Criteria: Ambry Variant Classification Scheme 2023. Collection method: clinical testing. Allele origin: germline.
Comment: The p.G3871R variant (also known as c.11611G>A) is located in coding exon 44 of the ANK2 gene. The glycine at codon 3871 is replaced by arginine, an amino acid with dissimilar properties. This change occurs in the first base pair of coding exon 44. This variant has been detected in an autism spectrum disorders cohort; however, details were limited (Stessman HA et al. Nat Genet, 2017 Apr;49:515-526). This amino acid position is not well conserved in available vertebrate species. In addition, this alteration is predicted to be deleterious by in silico analysis. Since supporting evidence is limited at this time, the clinical significance of this alteration remains unclear.

Labcorp Genetics (formerly Invitae), Labcorp
Classification: Uncertain significance for Long QT syndrome. Last evaluated: 2021-08-02. Review status: criteria provided, single submitter. Criteria: Invitae Variant Classification Sherloc (09022015). Collection method: clinical testing. Allele origin: germline.
Comment: Algorithms developed to predict the effect of missense changes on protein structure and function are either unavailable or do not agree on the potential impact of this missense change (SIFT: "Deleterious"; PolyPhen-2: "Probably Damaging"; Align-GVGD: "Class C0"). ClinVar contains an entry for this variant (Variation ID: 190586). This variant has not been reported in the literature in individuals affected with ANK2-related conditions. This variant is not present in population databases (ExAC no frequency). This sequence change replaces glycine with arginine at codon 3871 of the ANK2 protein (p.Gly3871Arg). The glycine residue is moderately conserved and there is a moderate physicochemical difference between glycine and arginine. In summary, the available evidence is currently insufficient to determine the role of this variant in disease. Therefore, it has been classified as a Variant of Uncertain Significance. Algorithms developed to predict the effect of sequence changes on RNA splicing suggest that this variant may disrupt the consensus splice site.

GeneDx
Classification: Uncertain significance. Last evaluated: 2013-03-06. Review status: criteria provided, single submitter. Criteria: GeneDx Variant Classification (06012015). Collection method: clinical testing. Allele origin: germline. Affected: yes.
Comment: p.Gly3871Arg (GGA>AGA): c.11611 G>A in exon 44 of the ANK2 gene (NM_001148.4). The Gly3871Arg variant in the ANK2 gene has not been reported as a disease-causing mutation or as a benign polymorphism to our knowledge. Gly3871Arg results in a non-conservative amino acid substitution of a non-polar Glycine with a positively charged Arginine at a position that is conserved in mammals. In silico analysis predicts Gly3871Arg is damaging to the protein structure/function. The Gly3871Arg variant was not observed in approximately 6,500 individuals of European and African American ancestry in the NHLBI Exome Sequencing Project, indicating it is not a common benign variant in these populations. Nevertheless, no mutations in nearby codons have been reported in association with LQTS. With the clinical and molecular information available at this time, we cannot definitively determine if Gly3871Arg in the ANK2 gene are disease-causing mutations or rare benign variants. The variant is found in LQT panel(s).

Literature cited by the submitters: PubMed 28191889 (cited by Ambry Genetics); PubMed 33004838 (cited by Ambry Genetics).

NM_001148.6(ANK2):c.11611G>A (p.Gly3871Arg)

Gene: ANK2 (ankyrin 2; plus strand). Cytogenetic location: 4q26.
Variant type: single nucleotide variant.
Coding change: c.11611G>A on transcript NM_001148.6 (MANE Select); coding-DNA position 11611, G replaced by A.
Protein change: p.Gly3871Arg; replaces glycine 3871 with arginine.
Molecular consequence: missense variant. On other transcripts: intron variant (1).
Genome position (GRCh38, 1-based): chr4:113,373,090, G>A. VCF-style: chr4-113373090-G-A. GRCh37 (hg19) VCF-style: chr4-114294246-G-A.
Other names: p.G3871R:GGA>AGA; c.5329G>A, p.Gly1777Arg (NM_001127493.3); c.5368G>A, p.Gly1790Arg (NM_001354225.2); c.5350G>A, p.Gly1784Arg (NM_001354228.2); c.5335G>A, p.Gly1779Arg (NM_001354230.2); c.5491G>A, p.Gly1831Arg (NM_001354231.2); c.5485G>A, p.Gly1829Arg (NM_001354232.2); c.5446G>A, p.Gly1816Arg (NM_001354235.2); and 45 more; short protein forms G1777R, G3871R, G1720R, G1765R, G1769R, G1796R, G1800R, G1801R.
Identifiers: ClinVar variation 190586 (VCV000190586.8), dbSNP rs786205729, ClinGen allele CA300983.
Genomic context (GRCh38, chr4:113,373,090, plus strand): 5'-GAGTAGTTCCTCAGAATTGGTGCCAAACACCACAGTGACCCTTTTCTCTCAACTGTTTAG[G>A]GAGACGATATGCCTGAAATACCCCCAGAAACAGTCACAGAAGAAGAATACATTGATGAGC-3'
Protein context (NP_001139.3, residues 3861-3881): RLDEDAAFEK[Gly3871Arg]DDMPEIPPET